The following is an entry in ClinVar:

ClinVar aggregate classification (germline): Uncertain significance (1 of 4 stars; one submission).

Conditions:
Hereditary spastic paraplegia 4. Also called: Spastic paraplegia 4, autosomal dominant; Familial spastic paraplegia autosomal dominant 2; Spastic Paraplegia 4. Identifiers: Orphanet 100985, MedGen C1866855, MONDO:0008438, OMIM 182601.

gnomAD v4.1: 1 of 1,614,130 alleles (0.000062%); no homozygotes.

Submission:

Labcorp Genetics (formerly Invitae), Labcorp
Classification: Uncertain significance for Hereditary spastic paraplegia 4. Last evaluated: 2023-10-09. Review status: criteria provided, single submitter. Criteria: Invitae Variant Classification Sherloc (09022015). Collection method: clinical testing. Allele origin: germline.
Comment: This sequence change replaces leucine, which is neutral and non-polar, with phenylalanine, which is neutral and non-polar, at codon 272 of the SPAST protein (p.Leu272Phe). This variant is not present in population databases (gnomAD no frequency). This variant has not been reported in the literature in individuals affected with SPAST-related conditions. Advanced modeling of protein sequence and biophysical properties (such as structural, functional, and spatial information, amino acid conservation, physicochemical variation, residue mobility, and thermodynamic stability) performed at Invitae indicates that this missense variant is not expected to disrupt SPAST protein function. In summary, the available evidence is currently insufficient to determine the role of this variant in disease. Therefore, it has been classified as a Variant of Uncertain Significance.

NM_014946.4(SPAST):c.816A>C (p.Leu272Phe)

Gene: SPAST (spastin; plus strand). Cytogenetic location: 2p22.3.
Variant type: single nucleotide variant.
Coding change: c.816A>C on transcript NM_014946.4 (MANE Select); coding-DNA position 816, A replaced by C.
Protein change: p.Leu272Phe; replaces leucine 272 with phenylalanine.
Molecular consequence: missense variant.
Genome position (GRCh38, 1-based): chr2:32,114,771, A>C. VCF-style: chr2-32114771-A-C. GRCh37 (hg19) VCF-style: chr2-32339840-A-C.
Other names: c.813A>C, p.Leu271Phe (NM_001363823.2); c.717A>C, p.Leu239Phe (NM_001363875.2); c.720A>C, p.Leu240Phe (NM_001377959.1, NM_199436.2); short protein forms L239F, L272F, L240F, L271F.
Identifiers: ClinVar variation 2901692 (VCV002901692.3), dbSNP rs1239753392, ClinGen allele CA346498719.